The following is an entry in ClinVar:

ClinVar aggregate classification (germline): Uncertain significance. Review status: criteria provided, multiple submitters, no conflicts (2 of 4 stars). 3 submissions from 3 submitters: Uncertain significance (3). Last evaluated 2025-05-14.

Conditions:
Inborn genetic diseases. Identifiers: MedGen C0950123, MeSH D030342.
Fraser syndrome 1 (FRASRS1). Also called: CRYPTOPHTHALMOS WITH OTHER MALFORMATIONS. Identifiers: Orphanet 2052, MedGen C4551480, MONDO:0054737, OMIM 219000.

Allele frequency attached by ClinVar (database versions not stated): gnomAD 0.00001; gnomAD exomes 0.00002; TOPMed 0.00002.
gnomAD v4.1: 15 of 1,612,946 alleles (0.00093%); highest among the groups gnomAD compares: African/African-American, 0.0013%; no homozygotes.

Submissions (3):

Ambry Genetics
Classification: Uncertain significance for Inborn genetic diseases. Last evaluated: 2025-05-14. Review status: criteria provided, single submitter. Criteria: Ambry Variant Classification Scheme 2023. Collection method: clinical testing. Allele origin: germline.

Fulgent Genetics
Classification: Uncertain significance for Fraser syndrome 1. Last evaluated: 2024-06-04. Review status: criteria provided, single submitter. Criteria: ACMG Guidelines, 2015. Collection method: clinical testing. Allele origin: germline.

GeneDx
Classification: Uncertain significance. Last evaluated: 2017-10-17. Review status: criteria provided, single submitter. Criteria: GeneDx Variant Classification (06012015). Collection method: clinical testing. Allele origin: germline. Affected: yes.
Comment: The G1710R variant in the FRAS1 gene has not been reported previously as a pathogenic variant, nor as a benign variant, to our knowledge. The G1710R variant is not observed at a significant frequency in large population cohorts (Lek et al., 2016). The G1710R variant is a non-conservative amino acid substitution, which is likely to impact secondary protein structure as these residues differ in polarity, charge, size and/or other properties. This substitution occurs at a position that is not conserved. In silico analysis is inconsistent in its predictions as to whether or not the variant is damaging to the protein structure/function. We interpret G1710R as a variant of uncertain significance.

NM_025074.7(FRAS1):c.5128G>A (p.Gly1710Arg)

Gene: FRAS1 (Fraser extracellular matrix complex subunit 1; plus strand). Cytogenetic location: 4q21.21.
Variant type: single nucleotide variant.
Coding change: c.5128G>A on transcript NM_025074.7 (MANE Select); coding-DNA position 5128, G replaced by A.
Protein change: p.Gly1710Arg; replaces glycine 1710 with arginine.
Molecular consequence: missense variant.
Genome position (GRCh38, 1-based): chr4:78,432,515, G>A. VCF-style: chr4-78432515-G-A. GRCh37 (hg19) VCF-style: chr4-79353669-G-A.
Other names: c.5128G>A, p.Gly1710Arg (NM_001166133.2); short protein forms G1710R.
Identifiers: ClinVar variation 452813 (VCV000452813.5), dbSNP rs997260986, ClinGen allele CA99959324.
Genomic context (GRCh38, chr4:78,432,515, plus strand): 5'-GATGGCCTCACAGTGACAATGCTGGAGGTGAGAGTAGAGGTGTCCCTGTCAGAAGACCGA[G>A]GGCCTCGACTGGCTGCTGGCTCCTCTCTGAGCATTACTGTTGCCAGTAAAAGCACAGCCA-3'
Protein context (NP_079350.5, residues 1700-1720): RVEVSLSEDR[Gly1710Arg]PRLAAGSSLS